The following is an entry in ClinVar:

NM_014252.4(SLC25A15):c.536G>T (p.Arg179Leu)

Gene: SLC25A15 (solute carrier family 25 member 15; plus strand). Cytogenetic location: 13q14.11.
Variant type: single nucleotide variant.
Coding change: c.536G>T on transcript NM_014252.4 (MANE Select); coding-DNA position 536, G replaced by T.
Protein change: p.Arg179Leu; replaces arginine 179 with leucine.
Molecular consequence: missense variant.
Genome position (GRCh38, 1-based): chr13:40,807,377, G>T. VCF-style: chr13-40807377-G-T. GRCh37 (hg19) VCF-style: chr13-41381513-G-T.
Other names: short protein forms R179L.
Identifiers: ClinVar variation 1462518 (VCV001462518.6), dbSNP rs1172814707, ClinGen allele CA387918313.
Genomic context (GRCh38, chr13:40,807,377, plus strand): 5'-GTATTCTTAGGAAAGATGGCCCCTTGGGGTTCTACCATGGACTCTCAAGCACTTTACTTC[G>T]AGAAGTACCAGGCTATTTCTTCTTCTTCGGTGGCTATGAACTGAGCCGGTCCTTTTTTGC-3'
Protein context (NP_055067.1, residues 169-189): FYHGLSSTLL[Arg179Leu]EVPGYFFFFG

ClinVar aggregate classification (germline): Uncertain significance (1 of 4 stars; one submission).

Conditions:
Hyperornithinemia-hyperammonemia-homocitrullinuria syndrome (HHHS). Also called: Ornithine translocase deficiency; HHH SYNDROME. Identifiers: Orphanet 415, MedGen C0268540, MONDO:0009393, OMIM 238970.

Submission:

Labcorp Genetics (formerly Invitae), Labcorp
Classification: Uncertain significance for Hyperornithinemia-hyperammonemia-homocitrullinuria syndrome. Last evaluated: 2024-10-17. Review status: criteria provided, single submitter. Criteria: Invitae Variant Classification Sherloc (09022015). Collection method: clinical testing. Allele origin: germline.
Comment: This sequence change replaces arginine, which is basic and polar, with leucine, which is neutral and non-polar, at codon 179 of the SLC25A15 protein (p.Arg179Leu). This variant is not present in population databases (gnomAD no frequency). This variant has not been reported in the literature in individuals affected with SLC25A15-related conditions. ClinVar contains an entry for this variant (Variation ID: 1462518). Invitae Evidence Modeling of protein sequence and biophysical properties (such as structural, functional, and spatial information, amino acid conservation, physicochemical variation, residue mobility, and thermodynamic stability) has been performed for this missense variant. However, the output from this modeling did not meet the statistical confidence thresholds required to predict the impact of this variant on SLC25A15 protein function. Algorithms developed to predict the effect of sequence changes on RNA splicing suggest that this variant may disrupt the consensus splice site. In summary, the available evidence is currently insufficient to determine the role of this variant in disease. Therefore, it has been classified as a Variant of Uncertain Significance.